The following is an entry in ClinVar:

ClinVar aggregate classification (germline): Likely pathogenic (1 of 4 stars; one submission).

Submission:

CeGaT Center for Human Genetics Tuebingen
Classification: Likely pathogenic. Last evaluated: 2023-10-01. Review status: criteria provided, single submitter. Criteria: CeGaT Center For Human Genetics Tuebingen Variant Classification Criteria Version 2. Collection method: clinical testing. Allele origin: germline. Affected: yes. Observed: 1 variant allele.
Comment: DEPDC5: PVS1:Strong, PM2

NM_001242896.3(DEPDC5):c.1324+3_1324+6del

Gene: DEPDC5 (DEP domain containing 5, GATOR1 subcomplex subunit; plus strand). Cytogenetic location: 22q12.3.
Variant type: Deletion.
Coding change: c.1324+3_1324+6del on transcript NM_001242896.3 (MANE Select); bases 3 to 6 of the intron after coding-DNA position 1324, 4 bases deleted (GAGT; older notation c.1324+3_1324+6delGAGT).
Molecular consequence: splice donor variant.
Genome position (GRCh38, 1-based): chr22:31,809,650-31,809,653, GAGT deleted; deleting any 4 consecutive bases within chr22:31,809,648-31,809,653 gives the same sequence; the c. name uses the placement nearest the transcript's 3' end. VCF-style (leftmost placement, unchanged base first): chr22-31809647-TGTGA-T. GRCh37 (hg19) VCF-style: chr22-32205633-TGTGA-T.
Other names: c.1324+3_1324+6del (NM_001364318.2, NM_001136029.4, NM_014662.6 and 7 more transcripts); c.1240+3_1240+6del (NM_001369902.1, NM_001369901.1).
Identifiers: ClinVar variation 2653079 (VCV002653079.24), dbSNP rs2519067593, ClinGen allele CA2695200107.